The following is an entry in ClinVar:

ClinVar aggregate classification (germline): Likely benign. Review status: criteria provided, single submitter (1 of 4 stars). 2 submissions from 2 submitters: Likely benign (1). 1 of the submissions does not count toward it. Last evaluated 2025-01-06.

Conditions:
GLRB-related disorder. Also called: GLRB-related condition.
Hyperekplexia 2 (HKPX2). Identifiers: Orphanet 3197, MedGen C3553291, MONDO:0013828, OMIM 614619.

gnomAD v4.1: 27 of 1,613,514 alleles (0.0017%); highest among the groups gnomAD compares: Admixed American, 0.005%; no homozygotes.

Submissions (2):

Labcorp Genetics (formerly Invitae), Labcorp
Classification: Likely benign for Hyperekplexia 2. Last evaluated: 2025-01-06. Review status: criteria provided, single submitter. Criteria: Invitae Variant Classification Sherloc (09022015). Collection method: clinical testing. Allele origin: germline.

PreventionGenetics, part of Exact Sciences
Classification: Likely benign for GLRB-related condition. Last evaluated: 2019-07-01. Review status: no assertion criteria provided. Collection method: clinical testing. Allele origin: germline. Not counted in ClinVar's aggregate classification.
Comment: This variant is classified as likely benign based on ACMG/AMP sequence variant interpretation guidelines (Richards et al. 2015 PMID: 25741868, with internal and published modifications).

NM_000824.5(GLRB):c.951C>T (p.Ala317=)

Gene: GLRB (glycine receptor beta; plus strand). Cytogenetic location: 4q32.1.
Variant type: single nucleotide variant.
Coding change: c.951C>T on transcript NM_000824.5 (MANE Select); coding-DNA position 951, C replaced by T.
Protein change: p.Ala317=; no amino-acid change (alanine 317 retained).
Molecular consequence: synonymous variant. On other transcripts: intron variant (1).
Genome position (GRCh38, 1-based): chr4:157,152,764, C>T. VCF-style: chr4-157152764-C-T. GRCh37 (hg19) VCF-style: chr4-158073916-C-T.
Other names: c.951C>T (NM_000824.4); c.951C>T, p.Ala317= (NM_001166060.2); c.904+8805C>T (NM_001166061.2).
Identifiers: ClinVar variation 1570387 (VCV001570387.10), dbSNP rs748373061, ClinGen allele CA3119922.
Genomic context (GRCh38, chr4:157,152,764, plus strand): 5'-TTCTGTTTCTGTAGGTATCTTCTCAGTCCTCAGCTTGGCCTCTGAGTGCACAACCCTTGC[C>T]GCTGAGCTTCCCAAAGTTTCCTATGTGAAGGCTCTTGATGTTTGGCTTATTGCTTGCCTT-3'
Protein context (NP_000815.1, residues 307-327): LSLASECTTL[Ala317=]AELPKVSYVK